The following is an entry in ClinVar:

ClinVar aggregate classification (germline): Uncertain significance (1 of 4 stars; one submission).

Allele frequency attached by ClinVar (database versions not stated): ExAC 0.00001; gnomAD exomes 0.00001; gnomAD 0.00002.
gnomAD v4.1: 14 of 1,611,700 alleles (0.00087%); highest among the groups gnomAD compares: Middle Eastern, 0.017%; no homozygotes.

Submission:

Labcorp Genetics (formerly Invitae), Labcorp
Classification: Uncertain significance. Last evaluated: 2025-11-18. Review status: criteria provided, single submitter. Criteria: Invitae Variant Classification Sherloc (09022015). Collection method: clinical testing. Allele origin: germline.
Comment: This sequence change replaces arginine, which is basic and polar, with histidine, which is basic and polar, at codon 1856 of the MYO7A protein (p.Arg1856His). This variant is present in population databases (rs758292765, gnomAD 0.002%). This variant has not been reported in the literature in individuals affected with MYO7A-related conditions. ClinVar contains an entry for this variant (Variation ID: 1924325). Invitae Evidence Modeling of protein sequence and biophysical properties (such as structural, functional, and spatial information, amino acid conservation, physicochemical variation, residue mobility, and thermodynamic stability) indicates that this missense variant is not expected to disrupt MYO7A protein function with a negative predictive value of 95%. In summary, the available evidence is currently insufficient to determine the role of this variant in disease. Therefore, it has been classified as a Variant of Uncertain Significance.

NM_000260.4(MYO7A):c.5567G>A (p.Arg1856His)

Gene: MYO7A (myosin VIIA; plus strand). Cytogenetic location: 11q13.5.
Variant type: single nucleotide variant.
Coding change: c.5567G>A on transcript NM_000260.4 (MANE Select); coding-DNA position 5567, G replaced by A.
Protein change: p.Arg1856His; replaces arginine 1856 with histidine.
Molecular consequence: missense variant.
Genome position (GRCh38, 1-based): chr11:77,205,548, G>A. VCF-style: chr11-77205548-G-A. GRCh37 (hg19) VCF-style: chr11-76916593-G-A.
Other names: c.5453G>A, p.Arg1818His (NM_001127180.2); c.5420G>A, p.Arg1807His (NM_001369365.1); short protein forms R1818H, R1856H, R1807H.
Identifiers: ClinVar variation 1924325 (VCV001924325.3), dbSNP rs758292765, ClinGen allele CA6198748.